The following is an entry in ClinVar:

ClinVar aggregate classification (germline): Uncertain significance (1 of 4 stars; one submission).

Conditions:
Autosomal dominant nonsyndromic hearing loss 1. Also called: KONIGSMARK SYNDROME; DEAFNESS, AUTOSOMAL DOMINANT 1, WITH OR WITHOUT THROMBOCYTOPENIA. Identifiers: Orphanet 90635, MedGen C1852282, MONDO:0007424, OMIM 124900.
Progressive microcephaly-seizures-cortical blindness-developmental delay syndrome. Also called: Seizures, cortical blindness, and microcephaly syndrome. Identifiers: Orphanet 477814, MedGen C5567650, MONDO:0014714, OMIM 616632.

Allele frequency attached by ClinVar (database versions not stated): gnomAD exomes below 0.00001.
gnomAD v4.1: 5 of 1,161,876 alleles (0.00043%); highest among the groups gnomAD compares: Non-Finnish European, 0.00056%; no homozygotes.

Submission:

Labcorp Genetics (formerly Invitae), Labcorp
Classification: Uncertain significance for Progressive microcephaly-seizures-cortical blindness-developmental delay syndrome; Autosomal dominant nonsyndromic hearing loss 1. Last evaluated: 2023-03-17. Review status: criteria provided, single submitter. Criteria: Invitae Variant Classification Sherloc (09022015). Collection method: clinical testing. Allele origin: germline.
Comment: This variant is not present in population databases (gnomAD no frequency). This variant has not been reported in the literature in individuals affected with DIAPH1-related conditions. Algorithms developed to predict the effect of missense changes on protein structure and function output the following: SIFT: "Not Available"; PolyPhen-2: "Not Available"; Align-GVGD: "Not Available". The glycine amino acid residue is found in multiple mammalian species, which suggests that this missense change does not adversely affect protein function. In summary, the available evidence is currently insufficient to determine the role of this variant in disease. Therefore, it has been classified as a Variant of Uncertain Significance. This sequence change replaces arginine, which is basic and polar, with glycine, which is neutral and non-polar, at codon 686 of the DIAPH1 protein (p.Arg686Gly).

NM_005219.5(DIAPH1):c.2056A>G (p.Arg686Gly)

Gene: DIAPH1 (diaphanous related formin 1; minus strand). Cytogenetic location: 5q31.3.
Variant type: single nucleotide variant.
Coding change: c.2056A>G on transcript NM_005219.5 (MANE Select); coding-DNA position 2056, A replaced by G.
Protein change: p.Arg686Gly; replaces arginine 686 with glycine.
Molecular consequence: missense variant.
Genome position (GRCh38, 1-based): chr5:141,573,794, T>C on the plus strand (A>G on the coding strand, the complement: DIAPH1 is on the minus strand). VCF-style: chr5-141573794-T-C. GRCh37 (hg19) VCF-style: chr5-140953361-T-C.
Other names: c.2029A>G, p.Arg677Gly (NM_001079812.3); c.2056A>G, p.Arg686Gly (NM_001314007.2); short protein forms R686G, R677G.
Identifiers: ClinVar variation 2945389 (VCV002945389.3), dbSNP rs1461203802, ClinGen allele CA361518657.